The following is an entry in ClinVar:

ClinVar aggregate classification (germline): Uncertain significance (1 of 4 stars; one submission).

Submission:

Labcorp Genetics (formerly Invitae), Labcorp
Classification: Uncertain significance. Last evaluated: 2022-03-15. Review status: criteria provided, single submitter. Criteria: Invitae Variant Classification Sherloc (09022015). Collection method: clinical testing. Allele origin: germline.
Comment: In summary, the available evidence is currently insufficient to determine the role of this variant in disease. Therefore, it has been classified as a Variant of Uncertain Significance. This sequence change creates a premature translational stop signal (p.Glu43Argfs*8) in the RHBDF2 gene. It is expected to result in an absent or disrupted protein product. However, the current clinical and genetic evidence is not sufficient to establish whether loss-of-function variants in RHBDF2 cause disease. This variant is not present in population databases (gnomAD no frequency). This variant has not been reported in the literature in individuals affected with RHBDF2-related conditions.

NM_001005498.4(RHBDF2):c.125dup (p.Glu43fs)

Gene: RHBDF2 (rhomboid 5 homolog 2; minus strand). Cytogenetic location: 17q25.1.
Variant type: Duplication.
Coding change: c.125dup on transcript NM_001005498.4 (MANE Select); coding-DNA position 125, one base duplicated (G; older notation c.125dupG).
Protein change: p.Glu43fs; shifts the reading frame from glutamic acid 43.
Molecular consequence: frameshift variant. On other transcripts: non-coding transcript variant (3).
Genome position (GRCh38, 1-based): chr17:76,481,400, C duplicated on the plus strand (G on the coding strand, the reverse complement: RHBDF2 is on the minus strand); the first of 2 consecutive C bases (chr17:76,481,400-76,481,401); duplicating either gives the same sequence. VCF-style (leftmost placement, unchanged base first): chr17-76481399-G-GC. GRCh37 (hg19) VCF-style: chr17-74477481-G-GC.
Other names: c.125dup, p.Glu43fs (NM_001376228.1, NM_001376229.1, NM_001376230.1 and 1 more transcripts); short protein forms E43fs.
Identifiers: ClinVar variation 2105211 (VCV002105211.4), dbSNP rs2509872146, ClinGen allele CA2580095223.